The following is an entry in ClinVar:

ClinVar aggregate classification (germline): Uncertain significance (0 of 4 stars; one submission).

Conditions:
ALMS1-related disorder. Also called: ALMS1-related condition.

Submission:

PreventionGenetics, part of Exact Sciences
Classification: Uncertain significance for ALMS1-related condition. Last evaluated: 2024-05-07. Review status: no assertion criteria provided. Collection method: clinical testing. Allele origin: germline.
Comment: The ALMS1 c.6560C>G variant is predicted to result in the amino acid substitution p.Thr2187Ser. To our knowledge, this variant has not been reported in the literature. This variant is reported in 0.0027% of alleles in individuals of European (Non-Finnish) descent in gnomAD. At this time, the clinical significance of this variant is uncertain due to the absence of conclusive functional and genetic evidence.

NM_001378454.1(ALMS1):c.6557C>G (p.Ser2186Cys)

Gene: ALMS1 (ALMS1 centrosome and basal body associated protein; plus strand). Cytogenetic location: 2p13.1.
Variant type: single nucleotide variant.
Coding change: c.6557C>G on transcript NM_001378454.1 (MANE Select); coding-DNA position 6557, C replaced by G.
Protein change: p.Ser2186Cys; replaces serine 2186 with cysteine.
Molecular consequence: missense variant.
Genome position (GRCh38, 1-based): chr2:73,453,084, C>G. VCF-style: chr2-73453084-C-G. GRCh37 (hg19) VCF-style: chr2-73680211-C-G.
Other names: c.6560C>G, p.Ser2187Cys (NM_015120.4); short protein forms S2186C, S2187C.
Identifiers: ClinVar variation 3358780 (VCV003358780.1).